The following is an entry in ClinVar:

ClinVar aggregate classification (germline): Likely pathogenic (1 of 4 stars; one submission).

Conditions:
Polycystic kidney disease 4 (PKD4). Also called: POLYCYSTIC KIDNEY AND HEPATIC DISEASE 1; POLYCYSTIC KIDNEY DISEASE, INFANTILE, TYPE I; POLYCYSTIC KIDNEY DISEASE 4 WITH OR WITHOUT POLYCYSTIC LIVER DISEASE; PKD3; Autosomal Recessive Polycystic Kidney Disease – PKHD1. Identifiers: MedGen C4540575, MONDO:0033004, OMIM 263200.

Submission:

Myriad Genetics, Inc.
Classification: Likely pathogenic for Polycystic kidney disease 4. Last evaluated: 2021-12-31. Review status: criteria provided, single submitter. Criteria: Myriad Women's Health Autosomal Recessive and X-Linked Classification Criteria (2021). Collection method: clinical testing. Allele origin: unknown.
Comment: NM_138694.3(PKHD1):c.4643_4644delAC(H1548Lfs*16) is expected to be pathogenic in the context of autosomal recessive polycystic kidney disease, PKHD1-related. This variant is predicted to lead to an abnormal or absent protein product due to the creation of a premature termination codon in PKHD1, a gene where loss-of-function variants are known to be pathogenic. Please note: this variant was assessed in the context of healthy population screening.

NM_138694.4(PKHD1):c.4643_4644del (p.His1548fs)

Genes: PKHD1 (PKHD1 ciliary IPT domain containing fibrocystin/polyductin; minus strand), LOC126859690 (MED14-independent group 3 enhancer GRCh37_chr6:51888848-51890047; plus strand). Cytogenetic location: 6p12.2.
Variant type: Deletion.
Coding change: c.4643_4644del on transcript NM_138694.4 (MANE Select); coding-DNA positions 4643 to 4644, 2 bases deleted (AC; older notation c.4643_4644delAC).
Protein change: p.His1548fs; shifts the reading frame from histidine 1548.
Molecular consequence: frameshift variant.
Genome position (GRCh38, 1-based): chr6:52,025,166-52,025,167, GT deleted on the plus strand (AC on the coding strand, the reverse complement: PKHD1 is on the minus strand); deleting any 2 consecutive bases within chr6:52,025,166-52,025,168 gives the same sequence; the c. name uses the placement nearest the transcript's 3' end. VCF-style (leftmost placement, unchanged base first): chr6-52025165-AGT-A. GRCh37 (hg19) VCF-style: chr6-51889963-AGT-A.
Other names: c.4643_4644del, p.His1548fs (NM_170724.3); short protein forms H1548fs.
Identifiers: ClinVar variation 1726751 (VCV001726751.2), dbSNP rs2532704201, ClinGen allele CA2580075527.